The following is an entry in ClinVar:

NM_147686.4(TRAF3IP2):c.135C>G (p.Asn45Lys)

Genes: TRAF3IP2 (TRAF3 interacting protein 2; minus strand), TRAF3IP2-AS1 (TRAF3IP2 antisense RNA 1; plus strand). Cytogenetic location: 6q21.
Variant type: single nucleotide variant.
Coding change: c.135C>G on transcript NM_147686.4 (MANE Select); coding-DNA position 135, C replaced by G.
Protein change: p.Asn45Lys; replaces asparagine 45 with lysine.
Molecular consequence: missense variant.
Genome position (GRCh38, 1-based): chr6:111,591,952, G>C on the plus strand (C>G on the coding strand, the complement: TRAF3IP2 is on the minus strand). VCF-style: chr6-111591952-G-C. GRCh37 (hg19) VCF-style: chr6-111913155-G-C.
Other names: c.162C>G (NM_147200.2); c.135C>G, p.Asn45Lys (NM_001164281.3); c.162C>G, p.Asn54Lys (NM_147200.3); short protein forms N45K, N54K.
Identifiers: ClinVar variation 1944314 (VCV001944314.7), dbSNP rs375324881, ClinGen allele CA3963374.
Genomic context (GRCh38, chr6:111,591,952, plus strand): 5'-TGAGTGAGCTTGAGAAAAGTCTCCGGAGGAATTGTGAAGCATTGTGGGTGCAGACAAGCT[G>C]TTGGGTGCCATGTTCCTTATATTTGGAGCAGGTGGTTCTGATTCCTCTTCCGGGGAATAT-3'
Protein context (NP_679211.2, residues 35-55): PAPNIRNMAP[Asn45Lys]SLSAPTMLHN

ClinVar aggregate classification (germline): Uncertain significance. Review status: criteria provided, multiple submitters, no conflicts (2 of 4 stars). 3 submissions from 3 submitters: Uncertain significance (3). Last evaluated 2024-06-04.

Conditions:
Candidiasis, familial, 8 (CANDF8). Identifiers: Orphanet 1334, MedGen C3714992, MONDO:0014230, OMIM 615527.
Psoriasis 13, susceptibility to. Identifiers: MedGen C3279754, MONDO:0013554, OMIM 614070.

Allele frequency attached by ClinVar (database versions not stated): TOPMed below 0.00001; ExAC 0.00001; gnomAD 0.00001; ESP Exome Variant Server 0.00008.
gnomAD v4.1: 1 of 1,614,110 alleles (0.000062%); highest among the groups gnomAD compares: Non-Finnish European, 0.000085%; no homozygotes.

Submissions (3):

Fulgent Genetics
Classification: Uncertain significance for Psoriasis 13, susceptibility to; Candidiasis, familial, 8. Last evaluated: 2024-06-04. Review status: criteria provided, single submitter. Criteria: ACMG Guidelines, 2015. Collection method: clinical testing. Allele origin: germline.

Labcorp Genetics (formerly Invitae), Labcorp
Classification: Uncertain significance for Candidiasis, familial, 8. Last evaluated: 2022-06-29. Review status: criteria provided, single submitter. Criteria: Invitae Variant Classification Sherloc (09022015). Collection method: clinical testing. Allele origin: germline.
Comment: In summary, the available evidence is currently insufficient to determine the role of this variant in disease. Therefore, it has been classified as a Variant of Uncertain Significance. This sequence change replaces asparagine, which is neutral and polar, with lysine, which is basic and polar, at codon 45 of the TRAF3IP2 protein (p.Asn45Lys). This variant is present in population databases (rs375324881, gnomAD 0.0009%). This variant has not been reported in the literature in individuals affected with TRAF3IP2-related conditions. Algorithms developed to predict the effect of missense changes on protein structure and function (SIFT, PolyPhen-2, Align-GVGD) all suggest that this variant is likely to be tolerated.

Ambry Genetics
Classification: Uncertain significance. Last evaluated: 2022-03-16. Review status: criteria provided, single submitter. Criteria: Ambry Variant Classification Scheme 2023. Collection method: clinical testing. Allele origin: germline.